The following is an entry in ClinVar:

NM_019066.5(MAGEL2):c.2922C>A (p.Ser974Arg)

Gene: MAGEL2 (MAGE family member L2; minus strand). Cytogenetic location: 15q11.2.
Variant type: single nucleotide variant.
Coding change: c.2922C>A on transcript NM_019066.5 (MANE Select); coding-DNA position 2922, C replaced by A.
Protein change: p.Ser974Arg; replaces serine 974 with arginine.
Molecular consequence: missense variant.
Genome position (GRCh38, 1-based): chr15:23,644,821, G>T on the plus strand (C>A on the coding strand, the complement: MAGEL2 is on the minus strand). VCF-style: chr15-23644821-G-T. GRCh37 (hg19) VCF-style: chr15-23889968-G-T.
Other names: short protein forms S974R.
Identifiers: ClinVar variation 4698517 (VCV004698517.1).

ClinVar aggregate classification (germline): Uncertain significance (1 of 4 stars; one submission).

Submission:

Labcorp Genetics (formerly Invitae), Labcorp
Classification: Uncertain significance. Last evaluated: 2025-11-02. Review status: criteria provided, single submitter. Criteria: Invitae Variant Classification Sherloc (09022015). Collection method: clinical testing. Allele origin: germline.
Comment: This sequence change replaces serine, which is neutral and polar, with arginine, which is basic and polar, at codon 974 of the MAGEL2 protein (p.Ser974Arg). This variant is not present in population databases (gnomAD no frequency). This variant has not been reported in the literature in individuals affected with MAGEL2-related conditions. Invitae Evidence Modeling of protein sequence and biophysical properties (such as structural, functional, and spatial information, amino acid conservation, physicochemical variation, residue mobility, and thermodynamic stability) indicates that this missense variant is not expected to disrupt MAGEL2 protein function with a negative predictive value of 80%. In summary, the available evidence is currently insufficient to determine the role of this variant in disease. Therefore, it has been classified as a Variant of Uncertain Significance.